The following is an entry in ClinVar:

ClinVar aggregate classification (germline): Uncertain significance (1 of 4 stars; one submission).

Conditions:
Hereditary cancer-predisposing syndrome. Also called: Tumor predisposition; Hereditary neoplastic syndrome; Hereditary Cancer Syndrome; Neoplastic Syndromes, Hereditary. Identifiers: Orphanet 140162, MedGen C0027672, MeSH D009386, MONDO:0015356.

Submission:

Ambry Genetics
Classification: Uncertain significance for Hereditary cancer-predisposing syndrome. Last evaluated: 2023-12-07. Review status: criteria provided, single submitter. Criteria: Ambry Variant Classification Scheme 2023. Collection method: clinical testing. Allele origin: germline.
Comment: The p.S409R variant (also known as c.1225A>C), located in coding exon 5 of the ALK gene, results from an A to C substitution at nucleotide position 1225. The serine at codon 409 is replaced by arginine, an amino acid with dissimilar properties. This amino acid position is conserved. In addition, this alteration is predicted to be tolerated by in silico analysis. Since supporting evidence is limited at this time, the clinical significance of this alteration remains unclear.

NM_004304.5(ALK):c.1225A>C (p.Ser409Arg)

Gene: ALK (ALK receptor tyrosine kinase; minus strand). Cytogenetic location: 2p23.2.
Variant type: single nucleotide variant.
Coding change: c.1225A>C on transcript NM_004304.5 (MANE Select); coding-DNA position 1225, A replaced by C.
Protein change: p.Ser409Arg; replaces serine 409 with arginine.
Molecular consequence: missense variant.
Genome position (GRCh38, 1-based): chr2:29,383,789, T>G on the plus strand (A>C on the coding strand, the complement: ALK is on the minus strand). VCF-style: chr2-29383789-T-G. GRCh37 (hg19) VCF-style: chr2-29606655-T-G.
Other names: short protein forms S409R.
Identifiers: ClinVar variation 3223789 (VCV003223789.1), dbSNP rs374842018, ClinGen allele CA346585250.